The following is an entry in ClinVar:

ClinVar aggregate classification (germline): Conflicting classifications of pathogenicity. Review status: criteria provided, conflicting classifications (1 of 4 stars). 4 submissions from 4 submitters: Uncertain significance (1); Benign (1); Likely benign (1). 1 of the submissions does not count toward it. Last evaluated 2024-01-23.

Conditions:
Hereditary cancer. Identifiers: MedGen C1333600.
Squamous cell lung carcinoma. Also called: Lung cancer, squamous cell, somatic; Squamous cell carcinoma of lung. Identifiers: MedGen C0149782, MONDO:0005097, HP:0030359.

Allele frequency attached by ClinVar (database versions not stated): 1000 Genomes Project 30x 0.00031; 1000 Genomes Project 0.00040; ExAC 0.00223; gnomAD exomes 0.00224 and 0.00351; gnomAD 0.00257 and 0.00263; TOPMed 0.00263; ESP Exome Variant Server 0.00269.
gnomAD v4.1: 5,494 of 1,601,304 alleles (0.34%); highest among the groups gnomAD compares: Non-Finnish European, 0.42%; 16 homozygotes.

Submissions (4):

Mendelics
Classification: Likely benign for Hereditary cancer. Last evaluated: 2024-01-23. Review status: criteria provided, single submitter. Criteria: ACMG Guidelines, 2015. Collection method: clinical testing. Allele origin: unknown.

CeGaT Center for Human Genetics Tuebingen
Classification: Benign. Last evaluated: 2023-05-01. Review status: criteria provided, single submitter. Criteria: CeGaT Center For Human Genetics Tuebingen Variant Classification Criteria Version 2. Collection method: clinical testing. Allele origin: germline. Affected: yes. Observed: 1 variant allele.
Comment: KIT: BS1, BS2

Breakthrough Genomics
Classification: Uncertain significance. Review status: criteria provided, single submitter. Criteria: ACMG Guidelines, 2015. Collection method: not provided. Allele origin: germline. Inheritance: Autosomal dominant inheritance. Affected: yes.

Faculté Pluridciplinaire Nador, Université Mohamed Premier
Classification: Uncertain significance for Squamous Cell Lung Carcinoma. Last evaluated: 2020-05-05. Review status: no assertion criteria provided. Collection method: clinical testing, in vivo. Allele origin: somatic. Affected: yes. Observed: 1 variant allele. Not counted in ClinVar's aggregate classification.

Literature cited by the submitters: DOI 10.3389/fonc.2020.01215 (cited by Faculté Pluridciplinaire Nador, Université Mohamed Premier).

NM_000222.3(KIT):c.2597-51T>C

Gene: KIT (KIT proto-oncogene, receptor tyrosine kinase; plus strand). Cytogenetic location: 4q12.
Variant type: single nucleotide variant.
Coding change: c.2597-51T>C on transcript NM_000222.3 (MANE Select); 51 bases into the intron before coding-DNA position 2597, T replaced by C.
Molecular consequence: intron variant.
Genome position (GRCh38, 1-based): chr4:54,736,670, T>C. VCF-style: chr4-54736670-T-C. GRCh37 (hg19) VCF-style: chr4-55602836-T-C.
Other names: c.2600-51T>C (NM_001385284.1); c.2597-51T>C (NM_001385290.1); c.2588-51T>C (NM_001385288.1); c.2585-51T>C (NM_001385292.1, NM_001093772.2); c.2594-51T>C (NM_001385285.1); c.2582-51T>C (NM_001385286.1).
Identifiers: ClinVar variation 873182 (VCV000873182.28), dbSNP rs368272654, ClinGen allele CA2923804.